The following is an entry in ClinVar:

ClinVar aggregate classification (germline): Likely benign (0 of 4 stars; one submission).

Conditions:
PDE4D-related disorder. Also called: PDE4D-related condition.

Allele frequency attached by ClinVar (database versions not stated): TOPMed 0.00001; gnomAD 0.00002; 1000 Genomes Project 30x 0.00016.
gnomAD v4.1: 7 of 1,470,972 alleles (0.00048%); highest among the groups gnomAD compares: Admixed American, 0.0046%; no homozygotes.

Submission:

PreventionGenetics, part of Exact Sciences
Classification: Likely benign for PDE4D-related condition. Last evaluated: 2019-05-22. Review status: no assertion criteria provided. Collection method: clinical testing. Allele origin: germline.
Comment: This variant is classified as likely benign based on ACMG/AMP sequence variant interpretation guidelines (Richards et al. 2015 PMID: 25741868, with internal and published modifications).

NM_001104631.2(PDE4D):c.809-113C>T

Gene: PDE4D (phosphodiesterase 4D; minus strand). Cytogenetic location: 5q11.2.
Variant type: single nucleotide variant.
Coding change: c.809-113C>T on transcript NM_001104631.2 (MANE Select); 113 bases into the intron before coding-DNA position 809, C replaced by T.
Molecular consequence: intron variant. On other transcripts: 5 prime UTR variant (1), synonymous variant (1).
Genome position (GRCh38, 1-based): chr5:59,039,084, G>A on the plus strand (C>T on the coding strand, the complement: PDE4D is on the minus strand). VCF-style: chr5-59039084-G-A. GRCh37 (hg19) VCF-style: chr5-58334911-G-A.
Other names: c.-125C>T (NM_001197221.2); c.24C>T, p.Ala8= (NM_001197222.2); c.626-113C>T (NM_001364599.1, NM_001165899.2); c.41-113C>T (NM_001349243.2, NM_001364604.1); c.596-113C>T (NM_001349241.2); c.617-113C>T (NM_001197218.2); c.-98-113C>T (NM_001364603.1); c.401-113C>T (NM_006203.5); and 3 more.
Identifiers: ClinVar variation 3038882 (VCV003038882.2), dbSNP rs990181586, ClinGen allele CA118773446.